The following is an entry in ClinVar:

ClinVar aggregate classification (germline): Uncertain significance. Review status: criteria provided, multiple submitters, no conflicts (2 of 4 stars). 2 submissions from 2 submitters: Uncertain significance (2). Last evaluated 2024-12-11.

Conditions:
Ataxia-telangiectasia syndrome (AT). Also called: Ataxia telangiectasia (A-T); LOUIS-BAR SYNDROME; Cerebello-oculocutaneous telangiectasia; Immunodeficiency with ataxia telangiectasia; Ataxia-telangiectasia, complementation group D; AT, COMPLEMENTATION GROUP C. Identifiers: Orphanet 100, MedGen C0004135, MONDO:0008840, OMIM 208900.
Hereditary cancer-predisposing syndrome. Also called: Hereditary neoplastic syndrome; Neoplastic Syndromes, Hereditary; Tumor predisposition; Hereditary Cancer Syndrome. Identifiers: Orphanet 140162, MedGen C0027672, MeSH D009386, MONDO:0015356.

Submissions (2):

Ambry Genetics
Classification: Uncertain significance for Hereditary cancer-predisposing syndrome. Last evaluated: 2024-12-11. Review status: criteria provided, single submitter. Criteria: Ambry Variant Classification Scheme 2023. Collection method: clinical testing. Allele origin: germline.
Comment: The p.M2527V variant (also known as c.7579A>G), located in coding exon 50 of the ATM gene, results from an A to G substitution at nucleotide position 7579. The methionine at codon 2527 is replaced by valine, an amino acid with highly similar properties. This amino acid position is highly conserved in available vertebrate species. In addition, this alteration is predicted to be deleterious by in silico analysis. Based on the available evidence, the clinical significance of this variant remains unclear.

Labcorp Genetics (formerly Invitae), Labcorp
Classification: Uncertain significance for Ataxia-telangiectasia syndrome. Last evaluated: 2022-08-23. Review status: criteria provided, single submitter. Criteria: Invitae Variant Classification Sherloc (09022015). Collection method: clinical testing. Allele origin: germline.
Comment: In summary, the available evidence is currently insufficient to determine the role of this variant in disease. Therefore, it has been classified as a Variant of Uncertain Significance. Algorithms developed to predict the effect of missense changes on protein structure and function are either unavailable or do not agree on the potential impact of this missense change (SIFT: "Deleterious"; PolyPhen-2: "Possibly Damaging"; Align-GVGD: "Class C15"). This variant has not been reported in the literature in individuals affected with ATM-related conditions. This variant is not present in population databases (gnomAD no frequency). This sequence change replaces methionine, which is neutral and non-polar, with valine, which is neutral and non-polar, at codon 2527 of the ATM protein (p.Met2527Val).

NM_000051.4(ATM):c.7579A>G (p.Met2527Val)

Genes: ATM (ATM serine/threonine kinase; plus strand), C11orf65 (chromosome 11 open reading frame 65; minus strand). Cytogenetic location: 11q22.3.
Variant type: single nucleotide variant.
Coding change: c.7579A>G on transcript NM_000051.4 (MANE Select); coding-DNA position 7579, A replaced by G.
Protein change: p.Met2527Val; replaces methionine 2527 with valine.
Molecular consequence: missense variant. On other transcripts: non-coding transcript variant (1), intron variant (2).
Genome position (GRCh38, 1-based): chr11:108,331,507, A>G. VCF-style: chr11-108331507-A-G. GRCh37 (hg19) VCF-style: chr11-108202234-A-G.
Other names: c.7579A>G, p.Met2527Val (NM_001351834.2); c.641-22436T>C (NM_001330368.2); c.*38+3713T>C (NM_001351110.2); short protein forms M2527V.
Identifiers: ClinVar variation 1717838 (VCV001717838.7), dbSNP rs2547274770, ClinGen allele CA382560765.